The following is an entry in ClinVar:

NM_001372.4(DNAH9):c.3744-9_3744-8del

Gene: DNAH9 (dynein axonemal heavy chain 9; plus strand). Cytogenetic location: 17p12.
Variant type: Microsatellite.
Coding change: c.3744-9_3744-8del on transcript NM_001372.4 (MANE Select); 9 bases into the intron before coding-DNA position 3744 through 8 bases into the intron before coding-DNA position 3744, 2 bases deleted (GT; older notation c.3744-9_3744-8delGT).
Molecular consequence: intron variant.
Genome position (GRCh38, 1-based): chr17:11,689,557-11,689,558, GT deleted; deleting any 2 consecutive bases within chr17:11,689,554-11,689,558 gives the same sequence; the c. name uses the placement nearest the transcript's 3' end. VCF-style (leftmost placement, unchanged base first): chr17-11689553-CTG-C. GRCh37 (hg19) VCF-style: chr17-11592870-CTG-C.
Other names: c.3744-9_3744-8delGT (NM_001372.3).
Identifiers: ClinVar variation 1582793 (VCV001582793.10), dbSNP rs144619779, ClinGen allele CA8395546.

ClinVar aggregate classification (germline): Benign. Review status: criteria provided, single submitter (1 of 4 stars). 2 submissions from 2 submitters: Benign (1). 1 of the submissions does not count toward it. Last evaluated 2026-01-28.

Conditions:
DNAH9-related disorder. Also called: DNAH9-related condition.

Submissions (2):

Labcorp Genetics (formerly Invitae), Labcorp
Classification: Benign. Last evaluated: 2026-01-28. Review status: criteria provided, single submitter. Criteria: Invitae Variant Classification Sherloc (09022015). Collection method: clinical testing. Allele origin: germline.

PreventionGenetics, part of Exact Sciences
Classification: Benign for DNAH9-related condition. Last evaluated: 2020-02-24. Review status: no assertion criteria provided. Collection method: clinical testing. Allele origin: germline. Not counted in ClinVar's aggregate classification.
Comment: This variant is classified as benign based on ACMG/AMP sequence variant interpretation guidelines (Richards et al. 2015 PMID: 25741868, with internal and published modifications).